The following is an entry in ClinVar:

ClinVar aggregate classification (germline): Uncertain significance (1 of 4 stars; one submission).

Conditions:
Kabuki syndrome. Also called: NIIKAWA-KUROKI SYNDROME; Kabuki make-up syndrome. Identifiers: Orphanet 2322, MedGen C0796004, MONDO:0016512.

Allele frequency attached by ClinVar (database versions not stated): gnomAD exomes below 0.00001.
gnomAD v4.1: 1 of 1,614,038 alleles (0.000062%); highest among the groups gnomAD compares: East Asian, 0.0022%; no homozygotes.

Submission:

Labcorp Genetics (formerly Invitae), Labcorp
Classification: Uncertain significance for Kabuki syndrome. Last evaluated: 2025-12-01. Review status: criteria provided, single submitter. Criteria: Invitae Variant Classification Sherloc (09022015). Collection method: clinical testing. Allele origin: germline.
Comment: This sequence change replaces methionine, which is neutral and non-polar, with valine, which is neutral and non-polar, at codon 4785 of the KMT2D protein (p.Met4785Val). This variant is not present in population databases (gnomAD no frequency). This variant has not been reported in the literature in individuals affected with KMT2D-related conditions. ClinVar contains an entry for this variant (Variation ID: 2002825). Invitae Evidence Modeling of protein sequence and biophysical properties (such as structural, functional, and spatial information, amino acid conservation, physicochemical variation, residue mobility, and thermodynamic stability) indicates that this missense variant is not expected to disrupt KMT2D protein function with a negative predictive value of 95%. In summary, the available evidence is currently insufficient to determine the role of this variant in disease. Therefore, it has been classified as a Variant of Uncertain Significance.

NM_003482.4(KMT2D):c.14353A>G (p.Met4785Val)

Gene: KMT2D (lysine methyltransferase 2D; minus strand). Cytogenetic location: 12q13.12.
Variant type: single nucleotide variant.
Coding change: c.14353A>G on transcript NM_003482.4 (MANE Select); coding-DNA position 14353, A replaced by G.
Protein change: p.Met4785Val; replaces methionine 4785 with valine.
Molecular consequence: missense variant.
Genome position (GRCh38, 1-based): chr12:49,028,857, T>C on the plus strand (A>G on the coding strand, the complement: KMT2D is on the minus strand). VCF-style: chr12-49028857-T-C. GRCh37 (hg19) VCF-style: chr12-49422640-T-C.
Other names: short protein forms M4785V.
Identifiers: ClinVar variation 2002825 (VCV002002825.4), dbSNP rs2120386818, ClinGen allele CA384695903.